The following is an entry in ClinVar:

ClinVar aggregate classification (germline): Uncertain significance (1 of 4 stars; one submission).

Conditions:
Hereditary nonpolyposis colorectal neoplasms. Identifiers: MedGen C0009405, MeSH D003123.

Allele frequency attached by ClinVar (database versions not stated): gnomAD exomes below 0.00001; gnomAD 0.00001.

Submission:

Labcorp Genetics (formerly Invitae), Labcorp
Classification: Uncertain significance for Hereditary nonpolyposis colorectal neoplasms. Last evaluated: 2019-03-29. Review status: criteria provided, single submitter. Criteria: Invitae Variant Classification Sherloc (09022015). Collection method: clinical testing. Allele origin: germline.
Comment: In summary, the available evidence is currently insufficient to determine the role of this variant in disease. Therefore, it has been classified as a Variant of Uncertain Significance. Algorithms developed to predict the effect of missense changes on protein structure and function (SIFT, PolyPhen-2, Align-GVGD) all suggest that this variant is likely to be tolerated, but these predictions have not been confirmed by published functional studies and their clinical significance is uncertain. This variant has not been reported in the literature in individuals with MSH6-related conditions. This variant is not present in population databases (ExAC no frequency). This sequence change replaces proline with alanine at codon 199 of the MSH6 protein (p.Pro199Ala). The proline residue is highly conserved and there is a small physicochemical difference between proline and alanine.

NM_000179.3(MSH6):c.595C>G (p.Pro199Ala)

Gene: MSH6 (mutS homolog 6; plus strand). Cytogenetic location: 2p16.3.
Variant type: single nucleotide variant.
Coding change: c.595C>G on transcript NM_000179.3 (MANE Select); coding-DNA position 595, C replaced by G.
Protein change: p.Pro199Ala; replaces proline 199 with alanine.
Molecular consequence: missense variant. On other transcripts: 5 prime UTR variant (1), intron variant (2).
Genome position (GRCh38, 1-based): chr2:47,796,031, C>G. VCF-style: chr2-47796031-C-G. GRCh37 (hg19) VCF-style: chr2-48023170-C-G.
Other names: c.-308C>G (NM_001281494.2); c.-279-2580C>G (NM_001281493.2); c.238-2580C>G (NM_001281492.2); short protein forms P199A.
Identifiers: ClinVar variation 863296 (VCV000863296.10), dbSNP rs1475759670, ClinGen allele CA346738845.